The following is an entry in ClinVar:

NM_003227.4(TFR2):c.862C>T (p.Gln288Ter)

Gene: TFR2 (transferrin receptor 2; minus strand). Cytogenetic location: 7q22.1.
Variant type: single nucleotide variant.
Coding change: c.862C>T on transcript NM_003227.4 (MANE Select); coding-DNA position 862, C replaced by T.
Protein change: p.Gln288Ter; replaces glutamine 288 with a stop codon.
Molecular consequence: nonsense.
Genome position (GRCh38, 1-based): chr7:100,632,186, G>A on the plus strand (C>T on the coding strand, the complement: TFR2 is on the minus strand). VCF-style: chr7-100632186-G-A. GRCh37 (hg19) VCF-style: chr7-100229809-G-A.
Other names: p.Gln288Ter; c.349C>T, p.Gln117Ter (NM_001206855.3); short protein forms Q117*, Q288*.
Identifiers: ClinVar variation 1073644 (VCV001073644.9), dbSNP rs1398396879, ClinGen allele CA368533214.

ClinVar aggregate classification (germline): Pathogenic/Likely pathogenic. Review status: criteria provided, multiple submitters, no conflicts (2 of 4 stars). 3 submissions from 3 submitters: Pathogenic (2); Likely pathogenic (1). Last evaluated 2025-12-16.

Conditions:
Hereditary hemochromatosis (HFE). Identifiers: MedGen C0392514, MONDO:0006507. Disease mechanism: loss of function.
Hemochromatosis type 3 (HFE3). Also called: HEMOCHROMATOSIS DUE TO DEFECT IN TRANSFERRIN RECEPTOR 2; Hereditary hemochromatosis type 3; TFR2-Related Hemochromatosis. Identifiers: Orphanet 225123, MedGen C1858664, MONDO:0011417, OMIM 604250.

gnomAD v4.1: 26 of 1,614,082 alleles (0.0016%); highest among the groups gnomAD compares: Non-Finnish European, 0.0021%; no homozygotes.

Submissions (3):

Petrovsky National Research Centre of Surgery, The Federal Agency for Scientific Organizations
Classification: Pathogenic for Hemochromatosis type 3. Last evaluated: 2025-12-16. Review status: criteria provided, single submitter. Criteria: ACMG Guidelines, 2015. Collection method: clinical testing. Allele origin: germline. Inheritance: Autosomal recessive inheritance. Affected: yes. Observed: 1 homozygote.
Comment: This variant is in The Genome Aggregation Database (gnomAD) v4.1.0 with total MAF 0.00001611 (Date of access 16-12-2025). According to AutoPVS1, mRNA carrying this variant, will be processed through nonsense-mediated decay mechanism, leading to haploinsufficiency. Loss-of-function variants in TFR2 are known to be pathogenic (PMID: 23600741, 26029709). For these reasons, this variant has been classified as Pathogenic.

Labcorp Genetics (formerly Invitae), Labcorp
Classification: Pathogenic for Hereditary hemochromatosis. Last evaluated: 2024-03-13. Review status: criteria provided, single submitter. Criteria: Invitae Variant Classification Sherloc (09022015). Collection method: clinical testing. Allele origin: germline.
Comment: This sequence change creates a premature translational stop signal (p.Gln288*) in the TFR2 gene. It is expected to result in an absent or disrupted protein product. Loss-of-function variants in TFR2 are known to be pathogenic (PMID: 23600741, 26029709). This variant is not present in population databases (gnomAD no frequency). This variant has not been reported in the literature in individuals affected with TFR2-related conditions. ClinVar contains an entry for this variant (Variation ID: 1073644). Algorithms developed to predict the effect of sequence changes on RNA splicing suggest that this variant may disrupt the consensus splice site. For these reasons, this variant has been classified as Pathogenic.

Baylor Genetics
Classification: Likely pathogenic for Hemochromatosis type 3. Last evaluated: 2023-10-04. Review status: criteria provided, single submitter. Criteria: ACMG Guidelines, 2015. Collection method: clinical testing. Allele origin: unknown.

Literature cited by the submitters: PubMed 23600741 (cited by Petrovsky National Research Centre of Surgery, The Federal Agency for Scientific Organizations and Labcorp Genetics (formerly Invitae), Labcorp); PubMed 26029709 (cited by Petrovsky National Research Centre of Surgery, The Federal Agency for Scientific Organizations and Labcorp Genetics (formerly Invitae), Labcorp).